The following is an entry in ClinVar:

NM_014112.5(TRPS1):c.-318CT[10]

Gene: TRPS1 (transcriptional repressor GATA binding 1; minus strand). Cytogenetic location: 8q23.3.
Variant type: Microsatellite.
Coding change: c.-318CT[10] on transcript NM_014112.5 (MANE Select); ten copies in a row of the 2-base unit CT starting at c.-318; the reference has 12 copies in a row; two copies, 4 bases deleted.
Molecular consequence: 5 prime UTR variant.
Genome position (GRCh38, 1-based): chr8:115,668,718-115,668,721, AGAG deleted on the plus strand (CTCT on the coding strand, the reverse complement: TRPS1 is on the minus strand); deleting any 4 consecutive bases within chr8:115,668,718-115,668,742 gives the same sequence; the position shown is the placement nearest the transcript's 3' end. VCF-style (leftmost placement, unchanged base first): chr8-115668717-AAGAG-A. GRCh37 (hg19) VCF-style: chr8-116680944-AAGAG-A.
Other names: c.-325CT[10] (NM_001282903.3); c.-199CT[10] (NM_001330599.2).
Identifiers: ClinVar variation 2658770 (VCV002658770.24), dbSNP rs10546472, ClinGen allele CA584654780.

ClinVar aggregate classification (germline): Benign (1 of 4 stars; one submission).

Submission:

CeGaT Center for Human Genetics Tuebingen
Classification: Benign. Last evaluated: 2022-05-01. Review status: criteria provided, single submitter. Criteria: CeGaT Center For Human Genetics Tuebingen Variant Classification Criteria Version 2. Collection method: clinical testing. Allele origin: germline. Affected: yes. Observed: 1 variant allele.
Comment: TRPS1: BS1, BS2